The following is an entry in ClinVar:

NM_001961.4(EEF2):c.725del (p.Gly242fs)

Gene: EEF2 (eukaryotic translation elongation factor 2; minus strand). Cytogenetic location: 19p13.3.
Variant type: Deletion.
Coding change: c.725del on transcript NM_001961.4 (MANE Select); coding-DNA position 725, one base deleted (G; older notation c.725delG).
Protein change: p.Gly242fs; shifts the reading frame from glycine 242.
Molecular consequence: frameshift variant.
Genome position (GRCh38, 1-based): chr19:3,982,312, C deleted on the plus strand (G on the coding strand, the reverse complement: EEF2 is on the minus strand); the first of 3 consecutive C bases (chr19:3,982,312-3,982,314); deleting any one gives the same sequence. VCF-style (leftmost placement, unchanged base first): chr19-3982311-GC-G. GRCh37 (hg19) VCF-style: chr19-3982309-GC-G.
Other names: short protein forms G242fs.
Identifiers: ClinVar variation 4086277 (VCV004086277.1).

ClinVar aggregate classification (germline): Uncertain significance (1 of 4 stars; one submission).

Submission:

GeneDx
Classification: Uncertain significance. Last evaluated: 2025-03-19. Review status: criteria provided, single submitter. Criteria: GeneDx Variant Classification Process June 2021. Collection method: clinical testing. Allele origin: germline. Affected: yes.
Comment: Not observed at significant frequency in large population cohorts (gnomAD); Frameshift variant predicted to result in protein truncation or nonsense mediated decay in a gene or region of a gene for which loss of function is not a well-established mechanism of disease; Has not been previously published as pathogenic or benign to our knowledge